The following is an entry in ClinVar:

ClinVar aggregate classification (germline): Uncertain significance. Review status: criteria provided, multiple submitters, no conflicts (2 of 4 stars). 3 submissions from 3 submitters: Uncertain significance (3). Last evaluated 2025-12-22.

Conditions:
Ataxia-telangiectasia syndrome (AT). Also called: Ataxia-telangiectasia, complementation group D; Ataxia-telangiectasia, complementation group E; AT, COMPLEMENTATION GROUP C; ATAXIA-TELANGIECTASIA, COMPLEMENTATION GROUP A; ATAXIA-TELANGIECTASIA, FRESNO VARIANT; Ataxia-telangiectasia. Identifiers: Orphanet 100, MedGen C0004135, MONDO:0008840, OMIM 208900.
Hereditary cancer-predisposing syndrome. Also called: Neoplastic Syndromes, Hereditary; Tumor predisposition; Hereditary neoplastic syndrome; Hereditary Cancer Syndrome. Identifiers: Orphanet 140162, MedGen C0027672, MeSH D009386, MONDO:0015356.

Submissions (3):

Ambry Genetics
Classification: Uncertain significance for Hereditary cancer-predisposing syndrome. Last evaluated: 2025-12-22. Review status: criteria provided, single submitter. Criteria: Ambry Variant Classification Scheme 2023. Collection method: clinical testing. Allele origin: germline.
Comment: The p.A188D variant (also known as c.563C>A), located in coding exon 5 of the ATM gene, results from a C to A substitution at nucleotide position 563. The alanine at codon 188 is replaced by aspartic acid, an amino acid with dissimilar properties. In an assay testing ATM function, this variant showed a functionally abnormal result (Lee KS et al. Cell, 2025 Sep;188:5081-5099.e27). This amino acid position is well conserved in available vertebrate species. In addition, the in silico prediction for this alteration is inconclusive. Based on the available evidence, the clinical significance of this variant remains unclear.

Labcorp Genetics (formerly Invitae), Labcorp
Classification: Uncertain significance for Ataxia-telangiectasia syndrome. Last evaluated: 2025-11-12. Review status: criteria provided, single submitter. Criteria: Invitae Variant Classification Sherloc (09022015). Collection method: clinical testing. Allele origin: germline.
Comment: This sequence change replaces alanine, which is neutral and non-polar, with aspartic acid, which is acidic and polar, at codon 188 of the ATM protein (p.Ala188Asp). This variant is not present in population databases (gnomAD no frequency). This variant has not been reported in the literature in individuals affected with ATM-related conditions. ClinVar contains an entry for this variant (Variation ID: 453593). Invitae Evidence Modeling of protein sequence and biophysical properties (such as structural, functional, and spatial information, amino acid conservation, physicochemical variation, residue mobility, and thermodynamic stability) indicates that this missense variant is not expected to disrupt ATM protein function with a negative predictive value of 95%. In summary, the available evidence is currently insufficient to determine the role of this variant in disease. Therefore, it has been classified as a Variant of Uncertain Significance.

Color Diagnostics, LLC DBA Color Health
Classification: Uncertain significance for Hereditary cancer-predisposing syndrome. Last evaluated: 2019-08-15. Review status: criteria provided, single submitter. Criteria: ACMG Guidelines, 2015. Collection method: clinical testing. Allele origin: germline.
Comment: This missense variant replaces alanine with aspartic acid at codon 188 of the ATM protein. Computational prediction tools and conservation analyses are inconclusive regarding the impact of this variant on the protein function. Computational splicing tools suggest that this variant may not impact RNA splicing. To our knowledge, functional assays have not been performed for this variant nor has this variant been reported in individuals affected with hereditary cancer in the literature. This variant has not been identified in the general population by the Genome Aggregation Database (gnomAD). Available evidence is insufficient to determine the role of this variant in disease conclusively. Therefore, this variant is classified as a Variant of Uncertain Significance.

Literature cited by the submitters: PubMed 40580951 (cited by Ambry Genetics).

NM_000051.4(ATM):c.563C>A (p.Ala188Asp)

Gene: ATM (ATM serine/threonine kinase; plus strand). Cytogenetic location: 11q22.3.
Variant type: single nucleotide variant.
Coding change: c.563C>A on transcript NM_000051.4 (MANE Select); coding-DNA position 563, C replaced by A.
Protein change: p.Ala188Asp; replaces alanine 188 with aspartic acid.
Molecular consequence: missense variant.
Genome position (GRCh38, 1-based): chr11:108,244,019, C>A. VCF-style: chr11-108244019-C-A. GRCh37 (hg19) VCF-style: chr11-108114746-C-A.
Other names: c.563C>A, p.Ala188Asp (NM_001351834.2); short protein forms A188D.
Identifiers: ClinVar variation 453593 (VCV000453593.14), dbSNP rs1555066393, ClinGen allele CA382527781.
Genomic context (GRCh38, chr11:108,244,019, plus strand): 5'-TCTCTGTGTACTTCAGGCTCTATCTGAAACCTTCACAAGATGTTCATAGAGTTTTAGTGG[C>A]TAGAATAATTCATGCTGTTACCAAAGGATGCTGTTCTCAGACTGACGGATTAAATTCCAA-3'
Protein context (NP_000042.3, residues 178-198): PSQDVHRVLV[Ala188Asp]RIIHAVTKGC